The following is an entry in ClinVar:

ClinVar aggregate classification (germline): Uncertain significance (1 of 4 stars; one submission).

Conditions:
Spermatogenic failure 18. Identifiers: MedGen C4539783, MONDO:0054615, OMIM 617576.
Ciliary dyskinesia, primary, 37 (CILD37). Also called: CILIARY DYSKINESIA, PRIMARY, 37, WITH OR WITHOUT SITUS INVERSUS. Identifiers: MedGen C4539798, MONDO:0033204, OMIM 617577.

Allele frequency attached by ClinVar (database versions not stated): TOPMed 0.00002; gnomAD 0.00003 and 0.00004; gnomAD exomes 0.00003 and 0.00007; ExAC 0.00012; 1000 Genomes Project 0.00020; 1000 Genomes Project 30x 0.00031.
gnomAD v4.1: 49 of 1,603,916 alleles (0.0031%); highest among the groups gnomAD compares: South Asian, 0.042%; 1 homozygote.

Submission:

Labcorp Genetics (formerly Invitae), Labcorp
Classification: Uncertain significance for Ciliary dyskinesia, primary, 37; Spermatogenic failure 18. Last evaluated: 2022-08-23. Review status: criteria provided, single submitter. Criteria: Invitae Variant Classification Sherloc (09022015). Collection method: clinical testing. Allele origin: germline.
Comment: This sequence change replaces arginine, which is basic and polar, with histidine, which is basic and polar, at codon 2573 of the DNAH1 protein (p.Arg2573His). In summary, the available evidence is currently insufficient to determine the role of this variant in disease. Therefore, it has been classified as a Variant of Uncertain Significance. Algorithms developed to predict the effect of missense changes on protein structure and function are either unavailable or do not agree on the potential impact of this missense change (SIFT: "Deleterious"; PolyPhen-2: "Probably Damaging"; Align-GVGD: "Class C0"). ClinVar contains an entry for this variant (Variation ID: 837964). This variant has not been reported in the literature in individuals affected with DNAH1-related conditions. The frequency data for this variant in the population databases is considered unreliable, as metrics indicate poor data quality at this position in the gnomAD database.

NM_015512.5(DNAH1):c.7718G>A (p.Arg2573His)

Gene: DNAH1 (dynein axonemal heavy chain 1; plus strand). Cytogenetic location: 3p21.1.
Variant type: single nucleotide variant.
Coding change: c.7718G>A on transcript NM_015512.5 (MANE Select); coding-DNA position 7718, G replaced by A.
Protein change: p.Arg2573His; replaces arginine 2573 with histidine.
Molecular consequence: missense variant.
Genome position (GRCh38, 1-based): chr3:52,381,749, G>A. VCF-style: chr3-52381749-G-A. GRCh37 (hg19) VCF-style: chr3-52415765-G-A.
Other names: short protein forms R2573H.
Identifiers: ClinVar variation 837964 (VCV000837964.4), dbSNP rs576324030, ClinGen allele CA2434957.